The following is an entry in ClinVar:

ClinVar aggregate classification (germline): Conflicting classifications of pathogenicity. Review status: criteria provided, conflicting classifications (1 of 4 stars). 4 submissions from 4 submitters: Uncertain significance (1); Likely benign (2). 1 of the submissions does not count toward it. Last evaluated 2026-03-17.

Conditions:
Cardiovascular phenotype. Identifiers: MedGen CN230736.
Dystrophin deficiency.
Cardiomyopathy (CMYO). Also called: Cardiomyopathies. Identifiers: Orphanet 167848, MedGen C0878544, MONDO:0004994, HP:0001638. Inheritance: Various modes of inheritance.
Becker muscular dystrophy (BMD). Also called: Becker Muscular Dystrophy (BMD); MUSCULAR DYSTROPHY, PSEUDOHYPERTROPHIC PROGRESSIVE, BECKER TYPE. Identifiers: Orphanet 98895, MedGen C0917713, MONDO:0010311, OMIM 300376.
Duchenne muscular dystrophy (DMD). Also called: Duchenne Muscular Dystrophy (DMD); MUSCULAR DYSTROPHY, PSEUDOHYPERTROPHIC PROGRESSIVE, DUCHENNE TYPE. Identifiers: Orphanet 98896, MedGen C0013264, MONDO:0010679, OMIM 310200.

Allele frequency attached by ClinVar (database versions not stated): ExAC 0.00001; gnomAD exomes 0.00001; gnomAD 0.00002; TOPMed 0.00003; ESP Exome Variant Server 0.00009.
gnomAD v4.1: 18 of 1,209,502 alleles (0.0015%); highest among the groups gnomAD compares: Middle Eastern, 0.091%; no homozygotes.

Submissions (4):

Ambry Genetics
Classification: Likely benign for Cardiovascular phenotype. Last evaluated: 2026-03-17. Review status: criteria provided, single submitter. Criteria: Ambry Variant Classification Scheme 2023. Collection method: clinical testing. Allele origin: germline.

Labcorp Genetics (formerly Invitae), Labcorp
Classification: Likely benign for Duchenne muscular dystrophy. Last evaluated: 2025-09-21. Review status: criteria provided, single submitter. Criteria: Invitae Variant Classification Sherloc (09022015). Collection method: clinical testing. Allele origin: germline.

Mayo Clinic Laboratories, Mayo Clinic
Classification: Uncertain significance. Last evaluated: 2025-04-01. Review status: criteria provided, single submitter. Criteria: ACMG Guidelines, 2015. Collection method: clinical testing. Allele origin: germline. Observed: 1 variant allele.
Comment: BP4_moderate

Natera, Inc.
Classification: Uncertain significance for Becker muscular dystrophy; Cardiomyopathy; Duchenne muscular dystrophy; Dystrophin deficiency. Last evaluated: 2020-05-11. Review status: no assertion criteria provided. Collection method: clinical testing. Allele origin: germline. Not counted in ClinVar's aggregate classification.

Literature cited by the submitters: PubMed 30615648 (cited by Ambry Genetics).

NM_004006.3(DMD):c.4201G>A (p.Val1401Met)

Gene: DMD (dystrophin; minus strand). Cytogenetic location: Xp21.1.
Variant type: single nucleotide variant.
Coding change: c.4201G>A on transcript NM_004006.3 (MANE Select); coding-DNA position 4201, G replaced by A.
Protein change: p.Val1401Met; replaces valine 1401 with methionine.
Molecular consequence: missense variant.
Genome position (GRCh38, 1-based): chrX:32,411,784, C>T on the plus strand (G>A on the coding strand, the complement: DMD is on the minus strand). VCF-style: chrX-32411784-C-T. GRCh37 (hg19) VCF-style: chrX-32429901-C-T.
Other names: p.Val1401Met; c.4177G>A, p.Val1393Met (NM_000109.4); c.4189G>A, p.Val1397Met (NM_004009.3); c.3832G>A, p.Val1278Met (NM_004010.3); c.178G>A, p.Val60Met (NM_004011.4); c.169G>A, p.Val57Met (NM_004012.4); short protein forms V1401M, V1278M, V1397M, V60M, V1393M, V57M.
Identifiers: ClinVar variation 567462 (VCV000567462.10), dbSNP rs139318945, ClinGen allele CA10379022.